The following is an entry in ClinVar:

ClinVar aggregate classification (germline): Likely benign. Review status: criteria provided, multiple submitters, no conflicts (2 of 4 stars). 3 submissions from 3 submitters: Likely benign (3). Last evaluated 2025-07-18.

Conditions:
Aortic aneurysm, familial thoracic 4 (AAT4). Also called: AORTIC ANEURYSM/AORTIC DISSECTION AND PATENT DUCTUS ARTERIOSUS. Identifiers: MedGen C1851504, MONDO:0007568, OMIM 132900.
Familial thoracic aortic aneurysm and aortic dissection (TAAD). Also called: Thoracic aortic aneurysms and dissections. Identifiers: Orphanet 91387, MedGen C4707243, MONDO:0019625.

Allele frequency attached by ClinVar (database versions not stated): gnomAD 0.00001 and 0.00002; TOPMed 0.00003.
gnomAD v4.1: 3 of 1,613,606 alleles (0.00019%); highest among the groups gnomAD compares: African/African-American, 0.0027%; no homozygotes.

Submissions (3):

Labcorp Genetics (formerly Invitae), Labcorp
Classification: Likely benign for Aortic aneurysm, familial thoracic 4. Last evaluated: 2025-07-18. Review status: criteria provided, single submitter. Criteria: Invitae Variant Classification Sherloc (09022015). Collection method: clinical testing. Allele origin: germline.

All of Us Research Program, National Institutes of Health
Classification: Likely benign for Familial thoracic aortic aneurysm and aortic dissection. Last evaluated: 2023-08-15. Review status: criteria provided, single submitter. Criteria: ACMG Guidelines, 2015. Collection method: clinical testing. Allele origin: germline. Inheritance: Autosomal dominant inheritance. Observed: 1 variant allele, 1 heterozygote.
Comment: This study involves interpretation of variants in research participants for the purpose of population health screening. Participant phenotype was not available at the time of variant classification. Additional details can be found in publication PMID: 35346344, PMCID: PMC8962531

Color Diagnostics, LLC DBA Color Health
Classification: Likely benign for Familial thoracic aortic aneurysm and aortic dissection. Last evaluated: 2020-03-17. Review status: criteria provided, single submitter. Criteria: ACMG Guidelines, 2015. Collection method: clinical testing. Allele origin: germline.

NM_002474.3(MYH11):c.3964-13A>G

Genes: MYH11 (myosin heavy chain 11; minus strand), NDE1 (nudE neurodevelopment protein 1; plus strand). Cytogenetic location: 16p13.11.
Variant type: single nucleotide variant.
Coding change: c.3964-13A>G on transcript NM_002474.3 (MANE Select); 13 bases into the intron before coding-DNA position 3964, A replaced by G.
Molecular consequence: intron variant. On other transcripts: 3 prime UTR variant (2).
Genome position (GRCh38, 1-based): chr16:15,724,812, T>C on the plus strand (A>G on the coding strand, the complement: MYH11 is on the minus strand). VCF-style: chr16-15724812-T-C. GRCh37 (hg19) VCF-style: chr16-15818669-T-C.
Other names: c.*561T>C (NM_001143979.2, NM_017668.3); c.3964-13A>G (NM_022844.3); c.3985-13A>G (NM_001040114.2, NM_001040113.2).
Identifiers: ClinVar variation 923777 (VCV000923777.6), dbSNP rs1391587565, ClinGen allele CA718494434.
Genomic context (GRCh38, chr16:15,724,812, plus strand): 5'-CTTCGTAGACACGTTGAGCTTCTGCCGGGTTTCTTCTTGAAGCAGCTCCTGCAAAAGGGA[T>C]GCAAAGAGGTCCCAGGGACCTGCCCCGAGGAAGGCCACCCCCCAGGTCCCCTGGATGATG-3'